The following is an entry in ClinVar:

ClinVar aggregate classification (germline): Uncertain significance. Review status: criteria provided, multiple submitters, no conflicts (2 of 4 stars). 2 submissions from 2 submitters: Uncertain significance (2). Last evaluated 2022-09-13.

Conditions:
Hereditary cancer-predisposing syndrome. Also called: Hereditary Cancer Syndrome; Neoplastic Syndromes, Hereditary; Tumor predisposition; Hereditary neoplastic syndrome. Identifiers: Orphanet 140162, MedGen C0027672, MeSH D009386, MONDO:0015356.

Allele frequency attached by ClinVar (database versions not stated): TOPMed below 0.00001.

Submissions (2):

Labcorp Genetics (formerly Invitae), Labcorp
Classification: Uncertain significance. Last evaluated: 2022-09-13. Review status: criteria provided, single submitter. Criteria: Invitae Variant Classification Sherloc (09022015). Collection method: clinical testing. Allele origin: germline.
Comment: In summary, the available evidence is currently insufficient to determine the role of this variant in disease. Therefore, it has been classified as a Variant of Uncertain Significance. Advanced modeling of protein sequence and biophysical properties (such as structural, functional, and spatial information, amino acid conservation, physicochemical variation, residue mobility, and thermodynamic stability) has been performed at Invitae for this missense variant, however the output from this modeling did not meet the statistical confidence thresholds required to predict the impact of this variant on POLE protein function. This variant has not been reported in the literature in individuals affected with POLE-related conditions. This variant is not present in population databases (gnomAD no frequency). This sequence change replaces glycine, which is neutral and non-polar, with valine, which is neutral and non-polar, at codon 1720 of the POLE protein (p.Gly1720Val).

Ambry Genetics
Classification: Uncertain significance for Hereditary cancer-predisposing syndrome. Last evaluated: 2021-09-26. Review status: criteria provided, single submitter. Criteria: Ambry Variant Classification Scheme 2023. Collection method: clinical testing. Allele origin: germline.
Comment: The p.G1720V variant (also known as c.5159G>T), located in coding exon 38 of the POLE gene, results from a G to T substitution at nucleotide position 5159. The glycine at codon 1720 is replaced by valine, an amino acid with dissimilar properties. This amino acid position is conserved. In addition, this alteration is predicted to be deleterious by in silico analysis. Since supporting evidence is limited at this time, the clinical significance of this alteration remains unclear.

NM_006231.4(POLE):c.5159G>T (p.Gly1720Val)

Gene: POLE (DNA polymerase epsilon, catalytic subunit; minus strand). Cytogenetic location: 12q24.33.
Variant type: single nucleotide variant.
Coding change: c.5159G>T on transcript NM_006231.4 (MANE Select); coding-DNA position 5159, G replaced by T.
Protein change: p.Gly1720Val; replaces glycine 1720 with valine.
Molecular consequence: missense variant.
Genome position (GRCh38, 1-based): chr12:132,642,191, C>A on the plus strand (G>T on the coding strand, the complement: POLE is on the minus strand). VCF-style: chr12-132642191-C-A. GRCh37 (hg19) VCF-style: chr12-133218777-C-A.
Other names: short protein forms G1720V.
Identifiers: ClinVar variation 1745703 (VCV001745703.7), dbSNP rs2042160199, ClinGen allele CA387376656.
Genomic context (GRCh38, chr12:132,642,191, plus strand): 5'-GAAACACCAGCCAGGTCTCATGGGCCTCGTCCTCCCGCCCACTTACCTGTGGAGTAACAG[C>A]CTGAACTGTTGATCTCAACAGTGGCTTGGTCATCGAACTCCATGACAAGACAGTTGTCAT-3'
Protein context (NP_006222.2, residues 1710-1730): DQATVEINSS[Gly1720Val]CYSTVCVELD